The following is an entry in ClinVar:

ClinVar aggregate classification (germline): Uncertain significance (1 of 4 stars; one submission).

Conditions:
Familial adenomatous polyposis 1 (FAP1). Also called: FAMILIAL ADENOMATOUS POLYPOSIS 1, ATTENUATED; POLYPOSIS, ADENOMATOUS INTESTINAL. Identifiers: MedGen C2713442, MONDO:0021056, OMIM 175100. Disease mechanism: loss of function.

Submission:

Labcorp Genetics (formerly Invitae), Labcorp
Classification: Uncertain significance for Familial adenomatous polyposis 1. Last evaluated: 2025-11-03. Review status: criteria provided, single submitter. Criteria: Invitae Variant Classification Sherloc (09022015). Collection method: clinical testing. Allele origin: germline.
Comment: This variant occurs in a non-coding region of the APC gene. It does not change the encoded amino acid sequence of the APC protein. This variant is not present in population databases (gnomAD no frequency). This variant has not been reported in the literature in individuals affected with APC-related conditions. Experimental studies and prediction algorithms are not available or were not evaluated, and the functional significance of this variant is currently unknown. In summary, the available evidence is currently insufficient to determine the role of this variant in disease. Therefore, it has been classified as a Variant of Uncertain Significance.

NC_000005.10:g.112707475C>T

Gene: APC (APC regulator of Wnt signaling pathway; plus strand). Cytogenetic location: 5q22.2.
Variant type: single nucleotide variant.
Genome position: GRCh38 VCF-style: chr5-112707475-C-T. GRCh37 (hg19) VCF-style: chr5-112043172-C-T.
Identifiers: ClinVar variation 4759708 (VCV004759708.1).